The following is an entry in ClinVar:

ClinVar aggregate classification (germline): Likely benign (1 of 4 stars; one submission).

Submission:

CeGaT Center for Human Genetics Tuebingen
Classification: Likely benign. Last evaluated: 2024-07-01. Review status: criteria provided, single submitter. Criteria: CeGaT Center For Human Genetics Tuebingen Variant Classification Criteria Version 2. Collection method: clinical testing. Allele origin: germline. Affected: yes. Observed: 1 variant allele.
Comment: PRRT2: PM2:Supporting, BP4, BP7

NM_145239.3(PRRT2):c.543T>C (p.Asn181=)

Genes: MVP-DT (MVP divergent transcript; minus strand), PRRT2 (proline rich transmembrane protein 2; plus strand). Cytogenetic location: 16p11.2.
Variant type: single nucleotide variant.
Coding change: c.543T>C on transcript NM_145239.3 (MANE Select); coding-DNA position 543, T replaced by C.
Protein change: p.Asn181=; no amino-acid change (asparagine 181 retained).
Molecular consequence: synonymous variant.
Genome position (GRCh38, 1-based): chr16:29,813,597, T>C. VCF-style: chr16-29813597-T-C. GRCh37 (hg19) VCF-style: chr16-29824918-T-C.
Other names: c.543T>C, p.Asn181= (NM_001256442.2, NM_001256443.2).
Identifiers: ClinVar variation 3257315 (VCV003257315.17).